The following is an entry in ClinVar:

ClinVar aggregate classification (germline): Uncertain significance (1 of 4 stars; one submission).

Conditions:
Early Myoclonic Encephalopathy. Identifiers: MedGen C0270855.

Allele frequency attached by ClinVar (database versions not stated): gnomAD exomes below 0.00001; ExAC 0.00001.
gnomAD v4.1: 6 of 1,607,932 alleles (0.00037%); highest among the groups gnomAD compares: Non-Finnish European, 0.00051%; no homozygotes.

Submission:

Labcorp Genetics (formerly Invitae), Labcorp
Classification: Uncertain significance for Early Myoclonic Encephalopathy. Last evaluated: 2020-03-02. Review status: criteria provided, single submitter. Criteria: Invitae Variant Classification Sherloc (09022015). Collection method: clinical testing. Allele origin: germline.
Comment: In summary, the available evidence is currently insufficient to determine the role of this variant in disease. Therefore, it has been classified as a Variant of Uncertain Significance. Algorithms developed to predict the effect of missense changes on protein structure and function are either unavailable or do not agree on the potential impact of this missense change (SIFT: "Deleterious"; PolyPhen-2: "Benign"; Align-GVGD: "Class C0"). This variant has not been reported in the literature in individuals with JMJD1C-related conditions. This variant is present in population databases (rs766502930, ExAC 0.01%). This sequence change replaces arginine with histidine at codon 32 of the JMJD1C protein (p.Arg32His). The arginine residue is weakly conserved and there is a small physicochemical difference between arginine and histidine.

NM_032776.3(JMJD1C):c.95G>A (p.Arg32His)

Genes: JMJD1C (jumonji domain containing 1C; minus strand), JMJD1C-AS1 (JMJD1C antisense RNA 1; plus strand). Cytogenetic location: 10q21.3.
Variant type: single nucleotide variant.
Coding change: c.95G>A on transcript NM_032776.3 (MANE Select); coding-DNA position 95, G replaced by A.
Protein change: p.Arg32His; replaces arginine 32 with histidine.
Molecular consequence: missense variant. On other transcripts: non-coding transcript variant (1), intron variant (2).
Genome position (GRCh38, 1-based): chr10:63,465,568, C>T on the plus strand (G>A on the coding strand, the complement: JMJD1C is on the minus strand). VCF-style: chr10-63465568-C-T. GRCh37 (hg19) VCF-style: chr10-65225328-C-T.
Other names: c.95G>A, p.Arg32His (NM_001322252.2); c.-384+56170G>A (NM_001322258.2); c.-379+56170G>A (NM_001318154.2); short protein forms R32H.
Identifiers: ClinVar variation 1053285 (VCV001053285.9), dbSNP rs766502930, ClinGen allele CA5519216.
Genomic context (GRCh38, chr10:63,465,568, plus strand): 5'-TTGCGGCTGTCCCTGTGTGACACGGCTCGGATGACCCCCGCTCGCCAGCTTCGCCAGCCG[C>T]GTCCGCTCTCCCAGCGCTCCGAACGTGCCTCGTCGCCGACCGCCACACACAGGAACCGCT-3'
Protein context (NP_116165.1, residues 22-42): EARSERWESG[Arg32His]GWRSWRAGVI